The following is an entry in ClinVar:

NM_000553.6(WRN):c.1958T>C (p.Leu653Pro)

Gene: WRN (WRN RecQ like helicase; plus strand). Cytogenetic location: 8p12.
Variant type: single nucleotide variant.
Coding change: c.1958T>C on transcript NM_000553.6 (MANE Select); coding-DNA position 1958, T replaced by C.
Protein change: p.Leu653Pro; replaces leucine 653 with proline.
Molecular consequence: missense variant.
Genome position (GRCh38, 1-based): chr8:31,096,827, T>C. VCF-style: chr8-31096827-T-C. GRCh37 (hg19) VCF-style: chr8-30954343-T-C.
Other names: short protein forms L653P.
Identifiers: ClinVar variation 952182 (VCV000952182.4), dbSNP rs781109286, ClinGen allele CA4704573.
Genomic context (GRCh38, chr8:31,096,827, plus strand): 5'-GAGGTAAATACCGGATTGTATACGTAACTCCAGAATACTGTTCAGGTAACATGGGCCTGC[T>C]CCAGCAACTTGAGGCTGATATTGGTAAGTGATAAAGAAAGATCTCTGTAAATACTTACTG-3'
Protein context (NP_000544.2, residues 643-663): PEYCSGNMGL[Leu653Pro]QQLEADIGIT

ClinVar aggregate classification (germline): Uncertain significance (1 of 4 stars; one submission).

Conditions:
Werner syndrome (WRN). Identifiers: Orphanet 902, MedGen C0043119, MONDO:0010196, OMIM 277700.

Allele frequency attached by ClinVar (database versions not stated): gnomAD exomes 0.00001 and 0.00004; ExAC 0.00004.
gnomAD v4.1: 14 of 1,613,602 alleles (0.00087%); highest among the groups gnomAD compares: Middle Eastern, 0.017%; 1 homozygote.

Submission:

Labcorp Genetics (formerly Invitae), Labcorp
Classification: Uncertain significance for Werner syndrome. Last evaluated: 2022-11-01. Review status: criteria provided, single submitter. Criteria: Invitae Variant Classification Sherloc (09022015). Collection method: clinical testing. Allele origin: germline.
Comment: This sequence change replaces leucine, which is neutral and non-polar, with proline, which is neutral and non-polar, at codon 653 of the WRN protein (p.Leu653Pro). This variant is present in population databases (rs781109286, gnomAD 0.04%), including at least one homozygous and/or hemizygous individual. This variant has not been reported in the literature in individuals affected with WRN-related conditions. ClinVar contains an entry for this variant (Variation ID: 952182). Algorithms developed to predict the effect of missense changes on protein structure and function are either unavailable or do not agree on the potential impact of this missense change (SIFT: "Not Available"; PolyPhen-2: "Probably Damaging"; Align-GVGD: "Not Available"). In summary, the available evidence is currently insufficient to determine the role of this variant in disease. Therefore, it has been classified as a Variant of Uncertain Significance.